The following is an entry in ClinVar:

NM_003072.5(SMARCA4):c.1052G>T (p.Arg351Leu)

Gene: SMARCA4 (SWI/SNF related BAF chromatin remodeling complex subunit ATPase 4; plus strand). Cytogenetic location: 19p13.2.
Variant type: single nucleotide variant.
Coding change: c.1052G>T on transcript NM_003072.5 (MANE Select); coding-DNA position 1052, G replaced by T.
Protein change: p.Arg351Leu; replaces arginine 351 with leucine.
Molecular consequence: missense variant. On other transcripts: non-coding transcript variant (1).
Genome position (GRCh38, 1-based): chr19:10,987,858, G>T. VCF-style: chr19-10987858-G-T. GRCh37 (hg19) VCF-style: chr19-11098534-G-T.
Other names: c.1052G>T, p.Arg351Leu (NM_001128844.3, NM_001128845.2, NM_001128846.2 and 5 more transcripts); short protein forms R351L.
Identifiers: ClinVar variation 470225 (VCV000470225.9), dbSNP rs1018881303, ClinGen allele CA404058715.
Genomic context (GRCh38, chr19:10,987,858, plus strand): 5'-AGTCCCCCGGGCAGCCGGCCCAGCCCGCGCCCATGGTGCCACTGCACCAGAAGCAGAGCC[G>T]CATCACCCCCATCCAGAAGCCGCGGGGCCTCGACCCTGTGGAGATCCTGCAGGAGCGCGA-3'
Protein context (NP_003063.2, residues 341-361): PMVPLHQKQS[Arg351Leu]ITPIQKPRGL

ClinVar aggregate classification (germline): Uncertain significance. Review status: criteria provided, multiple submitters, no conflicts (2 of 4 stars). 2 submissions from 2 submitters: Uncertain significance (2). Last evaluated 2024-07-11.

Conditions:
Hereditary cancer-predisposing syndrome. Also called: Hereditary neoplastic syndrome; Neoplastic Syndromes, Hereditary; Tumor predisposition; Hereditary Cancer Syndrome. Identifiers: Orphanet 140162, MedGen C0027672, MeSH D009386, MONDO:0015356.
Rhabdoid tumor predisposition syndrome 2 (RTPS2). Identifiers: Orphanet 231108, Orphanet 69077, MedGen C2750074, MONDO:0013224, OMIM 613325.

Submissions (2):

Ambry Genetics
Classification: Uncertain significance for Hereditary cancer-predisposing syndrome. Last evaluated: 2024-07-11. Review status: criteria provided, single submitter. Criteria: Ambry Variant Classification Scheme 2023. Collection method: clinical testing. Allele origin: germline.
Comment: The p.R351L variant (also known as c.1052G>T), located in coding exon 5 of the SMARCA4 gene, results from a G to T substitution at nucleotide position 1052. The arginine at codon 351 is replaced by leucine, an amino acid with dissimilar properties. This amino acid position is conserved. In addition, the in silico prediction for this alteration is inconclusive. Based on the available evidence, the clinical significance of this variant remains unclear.

Labcorp Genetics (formerly Invitae), Labcorp
Classification: Uncertain significance for Rhabdoid tumor predisposition syndrome 2. Last evaluated: 2022-11-23. Review status: criteria provided, single submitter. Criteria: Invitae Variant Classification Sherloc (09022015). Collection method: clinical testing. Allele origin: germline.
Comment: In summary, the available evidence is currently insufficient to determine the role of this variant in disease. Therefore, it has been classified as a Variant of Uncertain Significance. Advanced modeling of protein sequence and biophysical properties (such as structural, functional, and spatial information, amino acid conservation, physicochemical variation, residue mobility, and thermodynamic stability) has been performed at Invitae for this missense variant, however the output from this modeling did not meet the statistical confidence thresholds required to predict the impact of this variant on SMARCA4 protein function. ClinVar contains an entry for this variant (Variation ID: 470225). This variant has not been reported in the literature in individuals affected with SMARCA4-related conditions. This variant is not present in population databases (gnomAD no frequency). This sequence change replaces arginine, which is basic and polar, with leucine, which is neutral and non-polar, at codon 351 of the SMARCA4 protein (p.Arg351Leu).